The following is an entry in ClinVar:

ClinVar aggregate classification (germline): Uncertain significance (1 of 4 stars; one submission).

Conditions:
Hereditary cancer-predisposing syndrome. Also called: Tumor predisposition; Hereditary Cancer Syndrome; Neoplastic Syndromes, Hereditary; Hereditary neoplastic syndrome. Identifiers: Orphanet 140162, MedGen C0027672, MeSH D009386, MONDO:0015356.

Submission:

Ambry Genetics
Classification: Uncertain significance for Hereditary cancer-predisposing syndrome. Last evaluated: 2022-12-06. Review status: criteria provided, single submitter. Criteria: Ambry Variant Classification Scheme 2023. Collection method: clinical testing. Allele origin: germline.
Comment: The p.I366L variant (also known as c.1096A>C), located in coding exon 5 of the SMARCA4 gene, results from an A to C substitution at nucleotide position 1096. The isoleucine at codon 366 is replaced by leucine, an amino acid with highly similar properties. This amino acid position is highly conserved in available vertebrate species. In addition, the in silico prediction for this alteration is inconclusive. Missense and in-frame variants in SMARCA4 are known to cause neurodevelopmental disorders; however, such associations with rhabdoid tumor predisposition syndrome including small cell carcinoma of the ovary-hypercalcemic type (SCCOHT) are exceedingly rare (Kosho T et al. Am J Med Genet C Semin Med Genet. 2014 Sep;166C(3):262-75; Jelinic P et al. Nat Genet. 2014 May;46(5):424-6). Based on the supporting evidence, the association of this alteration with Coffin-Siris syndrome is unknown; however, the association of this alteration with rhabdoid tumor predisposition syndrome is unlikely.

NM_003072.5(SMARCA4):c.1096A>C (p.Ile366Leu)

Gene: SMARCA4 (SWI/SNF related BAF chromatin remodeling complex subunit ATPase 4; plus strand). Cytogenetic location: 19p13.2.
Variant type: single nucleotide variant.
Coding change: c.1096A>C on transcript NM_003072.5 (MANE Select); coding-DNA position 1096, A replaced by C.
Protein change: p.Ile366Leu; replaces isoleucine 366 with leucine.
Molecular consequence: missense variant. On other transcripts: non-coding transcript variant (1).
Genome position (GRCh38, 1-based): chr19:10,987,902, A>C. VCF-style: chr19-10987902-A-C. GRCh37 (hg19) VCF-style: chr19-11098578-A-C.
Other names: c.1096A>C, p.Ile366Leu (NM_001128844.3, NM_001128845.2, NM_001128846.2 and 4 more transcripts); short protein forms I366L.
Identifiers: ClinVar variation 822157 (VCV000822157.5), dbSNP rs1599972127, ClinGen allele CA404058884.